The following is an entry in ClinVar:

ClinVar aggregate classification (germline): Uncertain significance (1 of 4 stars; one submission).

Conditions:
Epileptic encephalopathy. Identifiers: MedGen C0543888, HP:0200134.

Submission:

Labcorp Genetics (formerly Invitae), Labcorp
Classification: Uncertain significance for Epileptic encephalopathy. Last evaluated: 2017-04-30. Review status: criteria provided, single submitter. Criteria: Invitae Variant Classification Sherloc (09022015). Collection method: clinical testing. Allele origin: germline.
Comment: In summary, this variant is a novel missense change with uncertain impact on protein function. It has been classified as a Variant of Uncertain Significance. Algorithms developed to predict the effect of missense changes on protein structure and function (SIFT, PolyPhen-2, Align-GVGD) all suggest that this variant is likely to be disruptive, but these predictions have not been confirmed by published functional studies. This variant is not present in population databases (ExAC no frequency) and has not been reported in the literature in individuals with a RYR3-related disease. This sequence change replaces serine with arginine at codon 1036 of the RYR3 protein (p.Ser1036Arg). The serine residue is highly conserved and there is a moderate physicochemical difference between serine and arginine.

NM_001036.6(RYR3):c.3108C>G (p.Ser1036Arg)

Gene: RYR3 (ryanodine receptor 3; plus strand). Cytogenetic location: 15q14.
Variant type: single nucleotide variant.
Coding change: c.3108C>G on transcript NM_001036.6 (MANE Select); coding-DNA position 3108, C replaced by G.
Protein change: p.Ser1036Arg; replaces serine 1036 with arginine.
Molecular consequence: missense variant.
Genome position (GRCh38, 1-based): chr15:33,634,666, C>G. VCF-style: chr15-33634666-C-G. GRCh37 (hg19) VCF-style: chr15-33926867-C-G.
Other names: c.3108C>G, p.Ser1036Arg (NM_001243996.4); short protein forms S1036R.
Identifiers: ClinVar variation 461902 (VCV000461902.8), dbSNP rs1555384709, ClinGen allele CA391573834.
Genomic context (GRCh38, chr15:33,634,666, plus strand): 5'-TCCCCGTCTGGTGCCATATGCATTACTGGATGAGCGTACCAAGAAGTCAAACAGGGACAG[C>G]CTGCGGGAAGCTGTGCGCACTTTTGTTGGTTACGGGTATAACATTGAGCCATCAGACCAA-3'
Protein context (NP_001027.3, residues 1026-1046): DERTKKSNRD[Ser1036Arg]LREAVRTFVG